The following is an entry in ClinVar:

NM_005762.3(TRIM28):c.481C>G (p.Pro161Ala)

Gene: TRIM28 (tripartite motif containing 28; plus strand). Cytogenetic location: 19q13.43.
Variant type: single nucleotide variant.
Coding change: c.481C>G on transcript NM_005762.3 (MANE Select); coding-DNA position 481, C replaced by G.
Protein change: p.Pro161Ala; replaces proline 161 with alanine.
Molecular consequence: missense variant.
Genome position (GRCh38, 1-based): chr19:58,545,791, C>G. VCF-style: chr19-58545791-C-G. GRCh37 (hg19) VCF-style: chr19-59057158-C-G.
Other names: short protein forms P161A.
Identifiers: ClinVar variation 4798578 (VCV004798578.1).

ClinVar aggregate classification (germline): Uncertain significance (1 of 4 stars; one submission).

Submission:

Labcorp Genetics (formerly Invitae), Labcorp
Classification: Uncertain significance. Last evaluated: 2025-03-19. Review status: criteria provided, single submitter. Criteria: Invitae Variant Classification Sherloc (09022015). Collection method: clinical testing. Allele origin: germline.
Comment: This sequence change replaces proline, which is neutral and non-polar, with alanine, which is neutral and non-polar, at codon 161 of the TRIM28 protein (p.Pro161Ala). This variant is not present in population databases (gnomAD no frequency). This variant has not been reported in the literature in individuals affected with TRIM28-related conditions. Experimental studies and prediction algorithms are not available or were not evaluated, and the functional significance of this variant is currently unknown. In summary, the available evidence is currently insufficient to determine the role of this variant in disease. Therefore, it has been classified as a Variant of Uncertain Significance.